The following is an entry in ClinVar:

NM_003193.5(TBCE):c.454T>C (p.Cys152Arg)

Gene: TBCE (tubulin folding cofactor E; plus strand). Cytogenetic location: 1q42.3.
Variant type: single nucleotide variant.
Coding change: c.454T>C on transcript NM_003193.5 (MANE Select); coding-DNA position 454, T replaced by C.
Protein change: p.Cys152Arg; replaces cysteine 152 with arginine.
Molecular consequence: missense variant.
Genome position (GRCh38, 1-based): chr1:235,419,555, T>C. VCF-style: chr1-235419555-T-C. GRCh37 (hg19) VCF-style: chr1-235582870-T-C.
Other names: c.454T>C, p.Cys152Arg (NM_001079515.3, NM_001287801.2); c.115T>C, p.Cys39Arg (NM_001287802.2); short protein forms C39R, C152R.
Identifiers: ClinVar variation 2192725 (VCV002192725.2), dbSNP rs764592612, ClinGen allele CA1464038.
Genomic context (GRCh38, chr1:235,419,555, plus strand): 5'-GTTTCTCTGAGGAACTGTGCAGTAAGTTGTGCTGGTGAAAAAGGAGGAGTTGCTGAAGCA[T>C]GTCCTAGTATCCTTTTCACCGAGAGCTTGTTATTGGAATCTGACTATGGATTTTATACCT-3'
Protein context (NP_003184.1, residues 142-162): AGEKGGVAEA[Cys152Arg]PNIRKVDLSK

ClinVar aggregate classification (germline): Uncertain significance (1 of 4 stars; one submission).

Allele frequency attached by ClinVar (database versions not stated): ExAC 0.00001; gnomAD 0.00001.
gnomAD v4.1: 9 of 1,614,030 alleles (0.00056%); highest among the groups gnomAD compares: Admixed American, 0.0017%; no homozygotes.

Submission:

Labcorp Genetics (formerly Invitae), Labcorp
Classification: Uncertain significance. Last evaluated: 2025-04-21. Review status: criteria provided, single submitter. Criteria: Invitae Variant Classification Sherloc (09022015). Collection method: clinical testing. Allele origin: germline.
Comment: This sequence change replaces cysteine, which is neutral and slightly polar, with arginine, which is basic and polar, at codon 152 of the TBCE protein (p.Cys152Arg). This variant is present in population databases (rs764592612, gnomAD 0.003%). This variant has not been reported in the literature in individuals affected with TBCE-related conditions. ClinVar contains an entry for this variant (Variation ID: 2192725). Invitae Evidence Modeling of protein sequence and biophysical properties (such as structural, functional, and spatial information, amino acid conservation, physicochemical variation, residue mobility, and thermodynamic stability) indicates that this missense variant is expected to disrupt TBCE protein function with a positive predictive value of 80%. In summary, the available evidence is currently insufficient to determine the role of this variant in disease. Therefore, it has been classified as a Variant of Uncertain Significance.